The following is an entry in ClinVar:

ClinVar aggregate classification (germline): Uncertain significance (1 of 4 stars; one submission).

Conditions:
GREB1L-related disorder. Also called: GREB1L-related condition.

gnomAD v4.1: 30 of 1,551,658 alleles (0.0019%); highest among the groups gnomAD compares: African/African-American, 0.0055%; no homozygotes.

Submission:

PreventionGenetics, part of Exact Sciences
Classification: Uncertain significance for GREB1L-related condition. Last evaluated: 2026-07-11. Review status: criteria provided, single submitter. Criteria: ACMG Guidelines, 2015. Collection method: clinical testing. Allele origin: germline.
Comment: The GREB1L c.1051C>T variant is predicted to result in the amino acid substitution p.Arg351Cys. To our knowledge, this variant has not been reported in the literature. This variant is reported in 0.012% of alleles in individuals of African descent in gnomAD. At this time, the clinical significance of this variant is uncertain due to the absence of conclusive functional and genetic evidence.

NM_001142966.3(GREB1L):c.1051C>T (p.Arg351Cys)

Genes: GREB1L (GREB1 like retinoic acid receptor coactivator; plus strand), GREB1L-AS1 (GREB1L antisense RNA 1; minus strand). Cytogenetic location: 18q11.1.
Variant type: single nucleotide variant.
Coding change: c.1051C>T on transcript NM_001142966.3 (MANE Select); coding-DNA position 1051, C replaced by T.
Protein change: p.Arg351Cys; replaces arginine 351 with cysteine.
Molecular consequence: missense variant.
Genome position (GRCh38, 1-based): chr18:21,440,370, C>T. VCF-style: chr18-21440370-C-T. GRCh37 (hg19) VCF-style: chr18-19020331-C-T.
Other names: c.1180C>T, p.Arg394Cys (NM_001410867.1); c.1051C>T, p.Arg351Cys (NM_001410868.1); short protein forms R351C, R394C.
Identifiers: ClinVar variation 4981671 (VCV004981671.1).